The following is an entry in ClinVar:

ClinVar aggregate classification (germline): Uncertain significance (1 of 4 stars; one submission).

Conditions:
Hereditary cancer-predisposing syndrome. Also called: Hereditary neoplastic syndrome; Tumor predisposition; Hereditary Cancer Syndrome; Neoplastic Syndromes, Hereditary. Identifiers: Orphanet 140162, MedGen C0027672, MeSH D009386, MONDO:0015356.

Submission:

Ambry Genetics
Classification: Uncertain significance for Hereditary cancer-predisposing syndrome. Last evaluated: 2023-09-05. Review status: criteria provided, single submitter. Criteria: Ambry Variant Classification Scheme 2023. Collection method: clinical testing. Allele origin: germline.
Comment: The p.E22V variant (also known as c.65A>T), located in coding exon 1 of the VHL gene, results from an A to T substitution at nucleotide position 65. The glutamic acid at codon 22 is replaced by valine, an amino acid with dissimilar properties. This amino acid position is well conserved in available vertebrate species. In addition, this alteration is predicted to be tolerated by in silico analysis. Since supporting evidence is limited at this time, the clinical significance of this alteration remains unclear.

NM_000551.4(VHL):c.65A>T (p.Glu22Val)

Gene: VHL (von Hippel-Lindau tumor suppressor; plus strand). Cytogenetic location: 3p25.3.
Variant type: single nucleotide variant.
Coding change: c.65A>T on transcript NM_000551.4 (MANE Select); coding-DNA position 65, A replaced by T.
Protein change: p.Glu22Val; replaces glutamic acid 22 with valine.
Molecular consequence: missense variant. On other transcripts: non-coding transcript variant (1).
Genome position (GRCh38, 1-based): chr3:10,141,912, A>T. VCF-style: chr3-10141912-A-T. GRCh37 (hg19) VCF-style: chr3-10183596-A-T.
Other names: c.65A>T, p.Glu22Val (NM_001354723.2, NM_198156.3); short protein forms E22V.
Identifiers: ClinVar variation 2586594 (VCV002586594.2), dbSNP rs2125124570, ClinGen allele CA351747381.